The following is an entry in ClinVar:

ClinVar aggregate classification (germline): Pathogenic (1 of 4 stars; one submission).

Conditions:
Acromesomelic dysplasia 1, Maroteaux type (AMD1). Also called: ACROMESOMELIC DYSPLASIA 1; ST. HELENA DYSPLASIA. Identifiers: Orphanet 40, MedGen C1864356, MONDO:0011275, OMIM 602875.
Tall stature-scoliosis-macrodactyly of the great toes syndrome. Also called: Epiphyseal chondrodysplasia, miura type. Identifiers: Orphanet 329191, MedGen C4014690, MONDO:0014401, OMIM 615923.

Submission:

Labcorp Genetics (formerly Invitae), Labcorp
Classification: Pathogenic for Tall stature-scoliosis-macrodactyly of the great toes syndrome; Acromesomelic dysplasia 1, Maroteaux type. Last evaluated: 2024-04-23. Review status: criteria provided, single submitter. Criteria: Invitae Variant Classification Sherloc (09022015). Collection method: clinical testing. Allele origin: germline.
Comment: This sequence change creates a premature translational stop signal (p.Ala22Argfs*4) in the NPR2 gene. It is expected to result in an absent or disrupted protein product. Loss-of-function variants in NPR2 are known to be pathogenic (PMID: 15146390, 15572448, 16384845). This variant is not present in population databases (gnomAD no frequency). This variant has not been reported in the literature in individuals affected with NPR2-related conditions. ClinVar contains an entry for this variant (Variation ID: 1452537). For these reasons, this variant has been classified as Pathogenic.

Literature cited by the submitters: PubMed 15146390; PubMed 15572448; PubMed 16384845.

NM_003995.4(NPR2):c.60del (p.Ala22fs)

Gene: NPR2 (natriuretic peptide receptor 2; plus strand). Cytogenetic location: 9p13.3.
Variant type: Deletion.
Coding change: c.60del on transcript NM_003995.4 (MANE Select); coding-DNA position 60, one base deleted (C; older notation c.60delC).
Protein change: p.Ala22fs; shifts the reading frame from alanine 22.
Molecular consequence: frameshift variant.
Genome position (GRCh38, 1-based): chr9:35,792,468, C deleted; the last of 3 consecutive C bases (chr9:35,792,466-35,792,468); deleting any one gives the same sequence. VCF-style (leftmost placement, unchanged base first): chr9-35792465-TC-T. GRCh37 (hg19) VCF-style: chr9-35792462-TC-T.
Other names: c.60del, p.Ala22fs (NM_001378923.1); short protein forms A22fs.
Identifiers: ClinVar variation 1452537 (VCV001452537.6), dbSNP rs2132066003, ClinGen allele CA2573144627.